The following is an entry in ClinVar:

ClinVar aggregate classification (germline): Pathogenic (1 of 4 stars; one submission).

Submission:

Labcorp Genetics (formerly Invitae), Labcorp
Classification: Pathogenic. Last evaluated: 2025-05-21. Review status: criteria provided, single submitter. Criteria: Invitae Variant Classification Sherloc (09022015). Collection method: clinical testing. Allele origin: germline.
Comment: This sequence change affects the initiator codon of the HPGD mRNA. This change may impact translation initiation or efficiency. The next in-frame methionine is located at codon 122. This variant is not present in population databases (gnomAD no frequency). Disruption of the initiator codon has been observed in individual(s) with hypertrophic osteoarthropathy (PMID: 19306095). It has also been observed to segregate with disease in related individuals. For these reasons, this variant has been classified as Pathogenic.

Literature cited by the submitters: PubMed 19306095.

NM_000860.6(HPGD):c.2T>C (p.Met1Thr)

Gene: HPGD (15-hydroxyprostaglandin dehydrogenase; minus strand). Cytogenetic location: 4q34.1.
Variant type: single nucleotide variant.
Coding change: c.2T>C on transcript NM_000860.6 (MANE Select); coding-DNA position 2, T replaced by C.
Protein change: p.Met1Thr; changes the start codon (methionine 1).
Molecular consequence: missense variant, initiator codon variant. On other transcripts: 5 prime UTR variant (1), intron variant (1).
Genome position (GRCh38, 1-based): chr4:174,522,450, A>G on the plus strand (T>C on the coding strand, the complement: HPGD is on the minus strand). VCF-style: chr4-174522450-A-G. GRCh37 (hg19) VCF-style: chr4-175443601-A-G.
Other names: c.2T>C, p.Met1Thr (NM_001145816.3, NM_001256305.2, NM_001256306.2 and 1 more transcripts); c.-255T>C (NM_001256307.2); c.-271+174T>C (NM_001256301.1); short protein forms M1T.
Identifiers: ClinVar variation 4775513 (VCV004775513.1).
Genomic context (GRCh38, chr4:174,522,450, plus strand): 5'-AAGGCTCTGCCTATGCCCTGAGCCGCGCCGGTCACCAGCGCCACTTTGCCGTTCACGTGC[A>G]TGGTGCAGCCACTGCTGGGGCGGGCGGTGGGCGAGCTCCGCGTCTCCGCGCGGCCGCGGC-3'
Protein context (NP_000851.2, residues 1-11): [Met1Thr]HVNGKVALVT